The following is an entry in ClinVar:

NM_024334.3(TMEM43):c.310C>T (p.Pro104Ser)

Gene: TMEM43 (transmembrane protein 43; plus strand). Cytogenetic location: 3p25.1.
Variant type: single nucleotide variant.
Coding change: c.310C>T on transcript NM_024334.3 (MANE Select); coding-DNA position 310, C replaced by T.
Protein change: p.Pro104Ser; replaces proline 104 with serine.
Molecular consequence: missense variant.
Genome position (GRCh38, 1-based): chr3:14,131,592, C>T. VCF-style: chr3-14131592-C-T. GRCh37 (hg19) VCF-style: chr3-14173092-C-T.
Other names: c.310C>T, p.Pro104Ser (NM_001407274.1, NM_001407275.1, NM_001407276.1 and 2 more transcripts); c.295C>T, p.Pro99Ser (NM_001407278.1); c.160C>T, p.Pro54Ser (NM_001407280.1); short protein forms P54S, P99S, P104S.
Identifiers: ClinVar variation 3676405 (VCV003676405.2).

ClinVar aggregate classification (germline): Uncertain significance (1 of 4 stars; one submission).

Conditions:
Arrhythmogenic right ventricular dysplasia 5. Also called: Arrhythmogenic Right Ventricular Dysplasia/Cardiomyopathy 5; ARRHYTHMOGENIC RIGHT VENTRICULAR DYSPLASIA, FAMILIAL, 5. Identifiers: MedGen C1858379, MONDO:0011459, OMIM 604400.

Submission:

Labcorp Genetics (formerly Invitae), Labcorp
Classification: Uncertain significance for Arrhythmogenic right ventricular dysplasia 5. Last evaluated: 2024-10-29. Review status: criteria provided, single submitter. Criteria: Invitae Variant Classification Sherloc (09022015). Collection method: clinical testing. Allele origin: germline.
Comment: This sequence change replaces proline, which is neutral and non-polar, with serine, which is neutral and polar, at codon 104 of the TMEM43 protein (p.Pro104Ser). This variant is not present in population databases (gnomAD no frequency). This variant has not been reported in the literature in individuals affected with TMEM43-related conditions. Invitae Evidence Modeling of protein sequence and biophysical properties (such as structural, functional, and spatial information, amino acid conservation, physicochemical variation, residue mobility, and thermodynamic stability) indicates that this missense variant is not expected to disrupt TMEM43 protein function with a negative predictive value of 80%. In summary, the available evidence is currently insufficient to determine the role of this variant in disease. Therefore, it has been classified as a Variant of Uncertain Significance.